The following is an entry in ClinVar:

ClinVar aggregate classification (germline): Likely benign. Review status: criteria provided, multiple submitters, no conflicts (2 of 4 stars). 4 submissions from 4 submitters: Likely benign (4). Last evaluated 2026-03-01.

Conditions:
Cardiovascular phenotype. Identifiers: MedGen CN230736.
Walker-Warburg congenital muscular dystrophy. Also called: Muscular dystrophy-dystroglycanopathy, type A; Walker-Warburg syndrome. Identifiers: Orphanet 899, MedGen C0265221, MONDO:0000171.

Allele frequency attached by ClinVar (database versions not stated): TOPMed below 0.00001; gnomAD exomes 0.00012; ExAC 0.00028.
gnomAD v4.1: 44 of 1,532,678 alleles (0.0029%); highest among the groups gnomAD compares: South Asian, 0.042%; no homozygotes.

Submissions (4):

CeGaT Center for Human Genetics Tuebingen
Classification: Likely benign. Last evaluated: 2026-03-01. Review status: criteria provided, single submitter. Criteria: CeGaT Center For Human Genetics Tuebingen Variant Classification Criteria Version 2. Collection method: clinical testing. Allele origin: germline. Affected: yes. Observed: 1 variant allele.
Comment: FKRP: BP4, BP7

Labcorp Genetics (formerly Invitae), Labcorp
Classification: Likely benign for Walker-Warburg congenital muscular dystrophy. Last evaluated: 2025-12-22. Review status: criteria provided, single submitter. Criteria: Invitae Variant Classification Sherloc (09022015). Collection method: clinical testing. Allele origin: germline.

Ambry Genetics
Classification: Likely benign for Cardiovascular phenotype. Last evaluated: 2025-08-28. Review status: criteria provided, single submitter. Criteria: Ambry Variant Classification Scheme 2023. Collection method: clinical testing. Allele origin: germline.

Blueprint Genetics
Classification: Likely benign. Last evaluated: 2023-03-23. Review status: criteria provided, single submitter. Criteria: ACMG Guidelines, 2015. Collection method: clinical testing. Allele origin: germline.

NM_024301.5(FKRP):c.654G>A (p.Val218=)

Gene: FKRP (fukutin related protein; plus strand). Cytogenetic location: 19q13.32.
Variant type: single nucleotide variant.
Coding change: c.654G>A on transcript NM_024301.5 (MANE Select); coding-DNA position 654, G replaced by A.
Protein change: p.Val218=; no amino-acid change (valine 218 retained).
Molecular consequence: synonymous variant.
Genome position (GRCh38, 1-based): chr19:46,756,104, G>A. VCF-style: chr19-46756104-G-A. GRCh37 (hg19) VCF-style: chr19-47259361-G-A.
Other names: c.654G>A, p.Val218= (NM_001039885.3).
Identifiers: ClinVar variation 702486 (VCV000702486.16), dbSNP rs749320485, ClinGen allele CA9532186.